The following is an entry in ClinVar:

NM_001170738.2(IQSEC3):c.3402G>T (p.Leu1134=)

Genes: IQSEC3 (IQ motif and Sec7 domain ArfGEF 3; plus strand), IQSEC3-AS1 (IQSEC3 antisense RNA 1; minus strand). Cytogenetic location: 12p13.33.
Variant type: single nucleotide variant.
Coding change: c.3402G>T on transcript NM_001170738.2 (MANE Select); coding-DNA position 3402, G replaced by T.
Protein change: p.Leu1134=; no amino-acid change (leucine 1134 retained).
Molecular consequence: synonymous variant.
Genome position (GRCh38, 1-based): chr12:174,886, G>T. VCF-style: chr12-174886-G-T. GRCh37 (hg19) VCF-style: chr12-284052-G-T.
Identifiers: ClinVar variation 2642559 (VCV002642559.24), dbSNP rs767773493, ClinGen allele CA6376971.
Genomic context (GRCh38, chr12:174,886, plus strand): 5'-GAGCCAGGCTCTCTCCTGCTACACCTCGTCGTCCTCTGACTCCTGCGGCTCCACACCCCT[G>T]GGCGGTCCCGGCTCTCCGGTCAAGGTCACCCACCAGCCTCCGCTGCCCCCGCCCCCACCC-3'
Protein context (NP_001164209.1, residues 1124-1144): SSSDSCGSTP[Leu1134=]GGPGSPVKVT

ClinVar aggregate classification (germline): Likely benign (1 of 4 stars; one submission).

Allele frequency attached by ClinVar (database versions not stated): 1000 Genomes Project 30x 0.00016; TOPMed 0.00064; ExAC 0.00072.
gnomAD v4.1: 1,311 of 1,571,784 alleles (0.083%); highest among the groups gnomAD compares: Middle Eastern, 0.17%; 3 homozygotes.

Submission:

CeGaT Center for Human Genetics Tuebingen
Classification: Likely benign. Last evaluated: 2022-07-01. Review status: criteria provided, single submitter. Criteria: CeGaT Center For Human Genetics Tuebingen Variant Classification Criteria Version 2. Collection method: clinical testing. Allele origin: germline. Affected: yes. Observed: 1 variant allele.
Comment: IQSEC3: BP4, BP7